The following is an entry in ClinVar:

ClinVar aggregate classification (germline): Uncertain significance (1 of 4 stars; one submission).

gnomAD v4.1: 34 of 1,600,290 alleles (0.0021%); highest among the groups gnomAD compares: Non-Finnish European, 0.0027%; no homozygotes.

Submission:

Labcorp Genetics (formerly Invitae), Labcorp
Classification: Uncertain significance. Last evaluated: 2023-10-23. Review status: criteria provided, single submitter. Criteria: Invitae Variant Classification Sherloc (09022015). Collection method: clinical testing. Allele origin: germline.
Comment: This sequence change affects a donor splice site in intron 24 of the MYH7B gene. It is expected to disrupt RNA splicing. Variants that disrupt the donor or acceptor splice site typically lead to a loss of protein function (PMID: 16199547), however the current clinical and genetic evidence is not sufficient to establish whether loss-of-function variants in MYH7B cause disease. The frequency data for this variant in the population databases is considered unreliable, as metrics indicate poor data quality at this position in the gnomAD database. This variant has not been reported in the literature in individuals affected with MYH7B-related conditions. Algorithms developed to predict the effect of sequence changes on RNA splicing suggest that this variant may disrupt the consensus splice site. In summary, the available evidence is currently insufficient to determine the role of this variant in disease. Therefore, it has been classified as a Variant of Uncertain Significance.

Literature cited by the submitters: PubMed 16199547.

NM_020884.7(MYH7B):c.2183+1G>A

Gene: MYH7B (myosin heavy chain 7B; plus strand). Cytogenetic location: 20q11.22.
Variant type: single nucleotide variant.
Coding change: c.2183+1G>A on transcript NM_020884.7 (MANE Select); the canonical splice donor site of the intron after coding-DNA position 2183, G replaced by A.
Molecular consequence: splice donor variant.
Genome position (GRCh38, 1-based): chr20:34,991,122, G>A. VCF-style: chr20-34991122-G-A. GRCh37 (hg19) VCF-style: chr20-33578925-G-A.
Identifiers: ClinVar variation 3017272 (VCV003017272.2), dbSNP rs775610874, ClinGen allele CA408704912.